The following is an entry in ClinVar:

NM_005591.4(MRE11):c.905A>C (p.His302Pro)

Gene: MRE11 (MRE11 double strand break repair nuclease; minus strand). Cytogenetic location: 11q21.
Variant type: single nucleotide variant.
Coding change: c.905A>C on transcript NM_005591.4 (MANE Select); coding-DNA position 905, A replaced by C.
Protein change: p.His302Pro; replaces histidine 302 with proline.
Molecular consequence: missense variant.
Genome position (GRCh38, 1-based): chr11:94,470,583, T>G on the plus strand (A>C on the coding strand, the complement: MRE11 is on the minus strand). VCF-style: chr11-94470583-T-G. GRCh37 (hg19) VCF-style: chr11-94203749-T-G.
Other names: c.905A>C, p.His302Pro (NM_001330347.2, NM_005590.4); short protein forms H302P.
Identifiers: ClinVar variation 970012 (VCV000970012.8), dbSNP rs587782042, ClinGen allele CA6235267.

ClinVar aggregate classification (germline): Uncertain significance. Review status: criteria provided, multiple submitters, no conflicts (2 of 4 stars). 2 submissions from 2 submitters: Uncertain significance (2). Last evaluated 2023-04-21.

Conditions:
Hereditary cancer-predisposing syndrome. Also called: Neoplastic Syndromes, Hereditary; Hereditary Cancer Syndrome; Tumor predisposition; Hereditary neoplastic syndrome. Identifiers: Orphanet 140162, MedGen C0027672, MeSH D009386, MONDO:0015356.
Ataxia-telangiectasia-like disorder (ATLD). Identifiers: MedGen C1858391, MONDO:0011457.

Allele frequency attached by ClinVar (database versions not stated): ExAC 0.00006.
gnomAD v4.1: 39 of 1,613,274 alleles (0.0024%); highest among the groups gnomAD compares: South Asian, 0.042%; no homozygotes.

Submissions (2):

Ambry Genetics
Classification: Uncertain significance for Hereditary cancer-predisposing syndrome. Last evaluated: 2023-04-21. Review status: criteria provided, single submitter. Criteria: Ambry Variant Classification Scheme 2023. Collection method: clinical testing. Allele origin: germline.
Comment: The p.H302P variant (also known as c.905A>C), located in coding exon 8 of the MRE11A gene, results from an A to C substitution at nucleotide position 905. The histidine at codon 302 is replaced by proline, an amino acid with similar properties. This amino acid position is poorly conserved in available vertebrate species. In addition, this alteration is predicted to be tolerated by in silico analysis. Since supporting evidence is limited at this time, the clinical significance of this alteration remains unclear.

Labcorp Genetics (formerly Invitae), Labcorp
Classification: Uncertain significance for Ataxia-telangiectasia-like disorder. Last evaluated: 2021-08-31. Review status: criteria provided, single submitter. Criteria: Invitae Variant Classification Sherloc (09022015). Collection method: clinical testing. Allele origin: germline.
Comment: This sequence change replaces histidine with proline at codon 302 of the MRE11 protein (p.His302Pro). The histidine residue is weakly conserved and there is a moderate physicochemical difference between histidine and proline. This variant is present in population databases (rs587782042, ExAC 0.04%). This variant has not been reported in the literature in individuals affected with MRE11-related conditions. Algorithms developed to predict the effect of missense changes on protein structure and function (SIFT, PolyPhen-2, Align-GVGD) all suggest that this variant is likely to be tolerated. In summary, the available evidence is currently insufficient to determine the role of this variant in disease. Therefore, it has been classified as a Variant of Uncertain Significance.